The following is an entry in ClinVar:

NM_001160372.4(TRAPPC9):c.1263G>A (p.Ala421=)

Gene: TRAPPC9 (trafficking protein particle complex subunit 9; minus strand). Cytogenetic location: 8q24.3.
Variant type: single nucleotide variant.
Coding change: c.1263G>A on transcript NM_001160372.4 (MANE Select); coding-DNA position 1263, G replaced by A.
Protein change: p.Ala421=; no amino-acid change (alanine 421 retained).
Molecular consequence: synonymous variant. On other transcripts: non-coding transcript variant (1).
Genome position (GRCh38, 1-based): chr8:140,371,052, C>T on the plus strand (G>A on the coding strand, the complement: TRAPPC9 is on the minus strand). VCF-style: chr8-140371052-C-T. GRCh37 (hg19) VCF-style: chr8-141381151-C-T.
Other names: c.1236G>A, p.Ala412= (NM_001321646.2); c.1284G>A, p.Ala428= (NM_001374682.1); c.1263G>A, p.Ala421= (NM_001374683.1, NM_001374684.1, NM_031466.8).
Identifiers: ClinVar variation 437034 (VCV000437034.18), dbSNP rs113690180, ClinGen allele CA4893500.

ClinVar aggregate classification (germline): Likely benign. Review status: criteria provided, multiple submitters, no conflicts (2 of 4 stars). 5 submissions from 5 submitters: Likely benign (5). Last evaluated 2026-08-01.

Conditions:
Inborn genetic diseases. Identifiers: MedGen C0950123, MeSH D030342.

Allele frequency attached by ClinVar (database versions not stated): gnomAD 0.00005; gnomAD exomes 0.00005 and 0.00020; ExAC 0.00015; TOPMed 0.00016.
gnomAD v4.1: 90 of 1,614,240 alleles (0.0056%); highest among the groups gnomAD compares: Admixed American, 0.1%; 1 homozygote.

Submissions (5):

CeGaT Center for Human Genetics Tuebingen
Classification: Likely benign. Last evaluated: 2026-08-01. Review status: criteria provided, single submitter. Criteria: CeGaT Center For Human Genetics Tuebingen Variant Classification Criteria Version 2. Collection method: clinical testing. Allele origin: germline. Affected: yes. Observed: 1 variant allele.
Comment: TRAPPC9: BP4, BP7

Labcorp Genetics (formerly Invitae), Labcorp
Classification: Likely benign. Last evaluated: 2026-01-09. Review status: criteria provided, single submitter. Criteria: Invitae Variant Classification Sherloc (09022015). Collection method: clinical testing. Allele origin: germline.

Ambry Genetics
Classification: Likely benign for Inborn genetic diseases. Last evaluated: 2017-11-30. Review status: criteria provided, single submitter. Criteria: Ambry Variant Classification Scheme 2023. Collection method: clinical testing. Allele origin: germline.

Genetic Services Laboratory, University of Chicago
Classification: Likely benign. Last evaluated: 2015-09-14. Review status: criteria provided, single submitter. Criteria: ACMG Guidelines, 2015. Collection method: clinical testing. Allele origin: germline. Affected: no.

Breakthrough Genomics
Classification: Likely benign. Review status: criteria provided, single submitter. Criteria: ACMG Guidelines, 2015. Collection method: not provided. Allele origin: germline. Inheritance: Autosomal recessive inheritance. Affected: yes.